The following is an entry in ClinVar:

NM_001165963.4(SCN1A):c.311C>A (p.Ala104Asp)

Gene: SCN1A (sodium voltage-gated channel alpha subunit 1; minus strand). Cytogenetic location: 2q24.3.
Variant type: single nucleotide variant.
Coding change: c.311C>A on transcript NM_001165963.4 (MANE Select); coding-DNA position 311, C replaced by A.
Protein change: p.Ala104Asp; replaces alanine 104 with aspartic acid.
Molecular consequence: missense variant. On other transcripts: 5 prime UTR variant (1), non-coding transcript variant (1).
Genome position (GRCh38, 1-based): chr2:166,058,642, G>T on the plus strand (C>A on the coding strand, the complement: SCN1A is on the minus strand). VCF-style: chr2-166058642-G-T. GRCh37 (hg19) VCF-style: chr2-166915152-G-T.
Other names: c.311C>A, p.Ala104Asp (NM_001165964.3, NM_001202435.3, NM_001353948.2 and 10 more transcripts); c.-2115C>A (NM_001353961.2); short protein forms A104D.
Identifiers: ClinVar variation 567303 (VCV000567303.12), dbSNP rs1553553527, ClinGen allele CA349077094.
Genomic context (GRCh38, chr2:166,058,642, plus strand): 5'-ATCTTAATAGCTATTTTCCTAAGAGGATTGAAGGGAGTTAAAATGTACAGGGCAGAGGTG[G>T]CACTGAACCGGAAGATGGCCTTCCCTTTATTCAATACTATAAAAGTCTGTAAGACAGGAA-3'
Protein context (NP_001159435.1, residues 94-114): NKGKAIFRFS[Ala104Asp]TSALYILTPF

ClinVar aggregate classification (germline): Pathogenic. Review status: criteria provided, multiple submitters, no conflicts (2 of 4 stars). 2 submissions from 2 submitters: Pathogenic (2). Last evaluated 2023-12-11.

Conditions:
Early-infantile DEE. Also called: Early infantile epileptic encephalopathy; Early infantile epileptic encephalopathy with suppression bursts; Ohtahara syndrome. Identifiers: Orphanet 1934, MedGen C0393706, MONDO:0800491.
Severe myoclonic epilepsy in infancy (DRVT). Also called: Epileptic encephalopathy, early infantile, 6 (Dravet syndrome); Dravet syndrome; SEVERE MYOCLONIC EPILEPSY OF INFANCY; DEVELOPMENTAL AND EPILEPTIC ENCEPHALOPATHY 6A; Severe Myoclonic Epilepsy in Infancy (SMEI). Identifiers: Orphanet 33069, MedGen C0751122, MONDO:0100135, OMIM 607208.

Submissions (2):

Labcorp Genetics (formerly Invitae), Labcorp
Classification: Pathogenic for Early-infantile DEE. Last evaluated: 2023-12-11. Review status: criteria provided, single submitter. Criteria: Invitae Variant Classification Sherloc (09022015). Collection method: clinical testing. Allele origin: germline.
Comment: This sequence change replaces alanine, which is neutral and non-polar, with aspartic acid, which is acidic and polar, at codon 104 of the SCN1A protein (p.Ala104Asp). This variant is not present in population databases (gnomAD no frequency). This missense change has been observed in individual(s) with Dravet syndrome (PMID: 32702657). In at least one individual the variant was observed to be de novo. ClinVar contains an entry for this variant (Variation ID: 567303). Advanced modeling of protein sequence and biophysical properties (such as structural, functional, and spatial information, amino acid conservation, physicochemical variation, residue mobility, and thermodynamic stability) performed at Invitae indicates that this missense variant is expected to disrupt SCN1A protein function with a positive predictive value of 95%. This variant disrupts the p.Ala104 amino acid residue in SCN1A. Other variant(s) that disrupt this residue have been determined to be pathogenic (PMID: 22848613, 28074849, 28084635). This suggests that this residue is clinically significant, and that variants that disrupt this residue are likely to be disease-causing. For these reasons, this variant has been classified as Pathogenic.

Unidad de Genómica Garrahan, Hospital de Pediatría Garrahan
Classification: Pathogenic for Severe myoclonic epilepsy in infancy. Last evaluated: 2018-10-31. Review status: criteria provided, single submitter. Criteria: ACMG Guidelines, 2015. Collection method: clinical testing. Allele origin: de novo. Affected: yes.

Literature cited by the submitters: PubMed 32702657 (cited by Labcorp Genetics (formerly Invitae), Labcorp); PubMed 22848613 (cited by Labcorp Genetics (formerly Invitae), Labcorp); PubMed 28074849 (cited by Labcorp Genetics (formerly Invitae), Labcorp); PubMed 28084635 (cited by Labcorp Genetics (formerly Invitae), Labcorp).